The following is an entry in ClinVar:

NM_001365951.3(KIF1B):c.1781T>C (p.Ile594Thr)

Gene: KIF1B (kinesin family member 1B; plus strand). Cytogenetic location: 1p36.22.
Variant type: single nucleotide variant.
Coding change: c.1781T>C on transcript NM_001365951.3 (MANE Select); coding-DNA position 1781, T replaced by C.
Protein change: p.Ile594Thr; replaces isoleucine 594 with threonine.
Molecular consequence: missense variant.
Genome position (GRCh38, 1-based): chr1:10,296,585, T>C. VCF-style: chr1-10296585-T-C. GRCh37 (hg19) VCF-style: chr1-10356643-T-C.
Other names: c.1781T>C, p.Ile594Thr (NM_001365952.1); c.1643T>C, p.Ile548Thr (NM_001365953.1, NM_015074.3, NM_183416.4); short protein forms I548T, I594T.
Identifiers: ClinVar variation 1777095 (VCV001777095.4), dbSNP rs1650274554, ClinGen allele CA338315450.
Genomic context (GRCh38, chr1:10,296,585, plus strand): 5'-ATTATTTGATTCCAATAGTTTGTAATGATAACATTAGTTTGTGTTTGTTCCTCTTAGTTA[T>C]CGTGACCTTAGAGCCCTGTGAGCGCTCAGAAACCTACGTAAATGGCAAGAGGGTGTCCCA-3'
Protein context (NP_001352880.1, residues 584-604): RSERSNSGEV[Ile594Thr]VTLEPCERSE

ClinVar aggregate classification (germline): Uncertain significance (1 of 4 stars; one submission).

Allele frequency attached by ClinVar (database versions not stated): TOPMed below 0.00001; gnomAD exomes 0.00002.
gnomAD v4.1: 14 of 1,613,290 alleles (0.00087%); highest among the groups gnomAD compares: Non-Finnish European, 0.0012%; no homozygotes.

Submission:

Ambry Genetics
Classification: Uncertain significance. Last evaluated: 2025-10-27. Review status: criteria provided, single submitter. Criteria: Ambry Variant Classification Scheme 2023. Collection method: clinical testing. Allele origin: germline.
Comment: The p.I548T variant (also known as c.1643T>C), located in coding exon 17 of the KIF1B gene, results from a T to C substitution at nucleotide position 1643. The isoleucine at codon 548 is replaced by threonine, an amino acid with similar properties. This amino acid position is well conserved in available vertebrate species. In addition, the in silico prediction for this alteration is inconclusive. Since supporting evidence is limited at this time, the clinical significance of this alteration remains unclear.